The following is an entry in ClinVar:

ClinVar aggregate classification (germline): Uncertain significance (1 of 4 stars; one submission).

Allele frequency attached by ClinVar (database versions not stated): gnomAD exomes 0.00001; TOPMed 0.00001; gnomAD 0.00004.
gnomAD v4.1: 17 of 1,605,268 alleles (0.0011%); highest among the groups gnomAD compares: African/African-American, 0.0027%; no homozygotes.

Submission:

Labcorp Genetics (formerly Invitae), Labcorp
Classification: Uncertain significance. Last evaluated: 2023-11-15. Review status: criteria provided, single submitter. Criteria: Invitae Variant Classification Sherloc (09022015). Collection method: clinical testing. Allele origin: germline.
Comment: This sequence change replaces arginine, which is basic and polar, with cysteine, which is neutral and slightly polar, at codon 135 of the IGF2 protein (p.Arg135Cys). The frequency data for this variant in the population databases is considered unreliable, as metrics indicate poor data quality at this position in the gnomAD database. This variant has not been reported in the literature in individuals affected with IGF2-related conditions. An algorithm developed to predict the effect of missense changes on protein structure and function (PolyPhen-2) suggests that this variant is likely to be disruptive. In summary, the available evidence is currently insufficient to determine the role of this variant in disease. Therefore, it has been classified as a Variant of Uncertain Significance.

NM_000612.6(IGF2):c.403C>T (p.Arg135Cys)

Genes: IGF2 (insulin like growth factor 2; minus strand), INS-IGF2 (INS-IGF2 readthrough; minus strand). Cytogenetic location: 11p15.5.
Variant type: single nucleotide variant.
Coding change: c.403C>T on transcript NM_000612.6 (MANE Select); coding-DNA position 403, C replaced by T.
Protein change: p.Arg135Cys; replaces arginine 135 with cysteine.
Molecular consequence: missense variant. On other transcripts: non-coding transcript variant (1).
Genome position (GRCh38, 1-based): chr11:2,133,127, G>A on the plus strand (C>T on the coding strand, the complement: IGF2 is on the minus strand). VCF-style: chr11-2133127-G-A. GRCh37 (hg19) VCF-style: chr11-2154357-G-A.
Other names: c.403C>T, p.Arg135Cys (NM_001007139.6, NM_001291861.3, NM_001291862.3); c.571C>T, p.Arg191Cys (NM_001127598.3); short protein forms R191C, R135C.
Identifiers: ClinVar variation 2873270 (VCV002873270.3), dbSNP rs1459983752, ClinGen allele CA379113206.